The following is an entry in ClinVar:

NM_000261.2(MYOC):c.1240G>A (p.Glu414Lys)

Gene: MYOC (myocilin; minus strand). Cytogenetic location: 1q24.3.
Variant type: single nucleotide variant.
Coding change: c.1240G>A on transcript NM_000261.2 (MANE Select); coding-DNA position 1240, G replaced by A.
Protein change: p.Glu414Lys; replaces glutamic acid 414 with lysine.
Molecular consequence: missense variant.
Genome position (GRCh38, 1-based): chr1:171,636,200, C>T on the plus strand (G>A on the coding strand, the complement: MYOC is on the minus strand). VCF-style: chr1-171636200-C-T. GRCh37 (hg19) VCF-style: chr1-171605340-C-T.
Other names: NM_000261.2:c.1240G>A; short protein forms E414K.
Identifiers: ClinVar variation 2498114 (VCV002498114.2), dbSNP rs1351097164, ClinGen allele CA343724203.

ClinVar aggregate classification (germline): Uncertain significance (3 of 4 stars; one submission).

Conditions:
Open-angle glaucoma. Identifiers: MedGen C0017612, MONDO:0005338, HP:0012108.

Allele frequency attached by ClinVar (database versions not stated): gnomAD exomes below 0.00001; gnomAD 0.00001.
gnomAD v4.1: 8 of 1,614,032 alleles (0.0005%); highest among the groups gnomAD compares: African/African-American, 0.0027%; no homozygotes.

Submission:

ClinGen Glaucoma Variant Curation Expert Panel
Classification: Uncertain significance for Open-angle glaucoma. Last evaluated: 2026-01-12. Review status: reviewed by expert panel. Criteria: ClinGen Glaucoma ACMG Specifications V2.0.0 Approved. Collection method: curation. Allele origin: germline. Inheritance: Autosomal dominant inheritance.
Comment: The c.1240G>A variant in MYOC is a missense variant predicted to cause substitution of Glutamate by Lysine at amino acid 414 (p.Glu414Lys). The highest minor allele frequency of this variant was in the African/African American genetic ancestry group of gnomAD (v4.1.0) = 0.00002670 (2 alleles out of 74,916), which met the ≤ 0.0001 threshold set for PM2_Supporting in a genetic ancestry group of at least 10,000 alleles. The REVEL score = 0.092, which was within the 0.017-0.183 range for BP4_Moderate, suggesting that the variant does not impact MYOC function. There was no functional evidence predicting a damaging or benign impact of this variant on MYOC function. Only 1 proband with primary open angle glaucoma had been reported (PMID: 33793440), not meeting the ≥ 2 probands threshold required to meet PS4_Supporting. In summary, this variant met the criteria to receive a score of -1 and to be classified as a variant of uncertain significance (uncertain significance classification range -1 to 5, adapted from PMID: 32720330) for primary open angle glaucoma based on the ACMG/AMP criteria met, as specified by the ClinGen Glaucoma VCEP (v2.0.0, 5 Dec 2024): BP4_Moderate, PM2_Supporting.